The following is an entry in ClinVar:

ClinVar aggregate classification (germline): Uncertain significance (1 of 4 stars; one submission).

Conditions:
Inborn genetic diseases. Identifiers: MedGen C0950123, MeSH D030342.

Submission:

Ambry Genetics
Classification: Uncertain significance for Inborn genetic diseases. Last evaluated: 2021-09-08. Review status: criteria provided, single submitter. Criteria: Ambry Variant Classification Scheme 2023. Collection method: clinical testing. Allele origin: germline.
Comment: The c.751+5dupG alteration is located in intron 7 of the GAD1 gene. This alteration consists of a duplication of 1 nucleotide at nucleotide position c.751+5. Based on insufficient or conflicting evidence, the clinical significance of this alteration remains unclear.

NM_000817.3(GAD1):c.751+5dup

Gene: GAD1 (glutamate decarboxylase 1; plus strand). Cytogenetic location: 2q31.1.
Variant type: Duplication.
Coding change: c.751+5dup on transcript NM_000817.3 (MANE Select); 5 bases into the intron after coding-DNA position 751, one base duplicated (G; older notation c.751+5dupG).
Molecular consequence: intron variant.
Genome position (GRCh38, 1-based): chr2:170,844,162, G duplicated; the last of 2 consecutive G bases (chr2:170,844,161-170,844,162); duplicating either gives the same sequence. VCF-style (leftmost placement, unchanged base first): chr2-170844160-A-AG. GRCh37 (hg19) VCF-style: chr2-171700670-A-AG.
Identifiers: ClinVar variation 2244143 (VCV002244143.2), dbSNP rs1255351199, ClinGen allele CA760584612.
Genomic context (GRCh38, chr2:170,844,160, plus strand): 5'-AAGATGAGAGAGATAGTTGGATGGTCAAGTAAAGATGGTGATGGGATATTTTCTCCTGGT[A>AG]GGTTTCTCTTCTCTTCCTCTTCTCAAGGTTTGGGATTCTTAAGAATACAAAATATGAAGT-3'